The following is an entry in ClinVar:

NM_004304.5(ALK):c.940G>A (p.Glu314Lys)

Gene: ALK (ALK receptor tyrosine kinase; minus strand). Cytogenetic location: 2p23.2.
Variant type: single nucleotide variant.
Coding change: c.940G>A on transcript NM_004304.5 (MANE Select); coding-DNA position 940, G replaced by A.
Protein change: p.Glu314Lys; replaces glutamic acid 314 with lysine.
Molecular consequence: missense variant.
Genome position (GRCh38, 1-based): chr2:29,694,862, C>T on the plus strand (G>A on the coding strand, the complement: ALK is on the minus strand). VCF-style: chr2-29694862-C-T. GRCh37 (hg19) VCF-style: chr2-29917728-C-T.
Other names: short protein forms E314K.
Identifiers: ClinVar variation 470907 (VCV000470907.13), dbSNP rs538448899, ClinGen allele CA1594808.
Genomic context (GRCh38, chr2:29,694,862, plus strand): 5'-AGCCTGGCCCTGACCCACCCAGGACATCACCAGCAGCCTCTCCCTTACCTCTGGGCATCT[C>T]CTTAGAACGCTCTGCCCCAGGCCCATCCAGCAAGTCCATCTGGGAGGCCTCCTCGGAGGG-3'
Protein context (NP_004295.2, residues 304-324): LDGPGAERSK[Glu314Lys]MPRGSFLLLN

ClinVar aggregate classification (germline): Uncertain significance. Review status: criteria provided, multiple submitters, no conflicts (2 of 4 stars). 2 submissions from 2 submitters: Uncertain significance (2). Last evaluated 2026-01-13.

Conditions:
Hereditary cancer-predisposing syndrome. Also called: Hereditary neoplastic syndrome; Neoplastic Syndromes, Hereditary; Tumor predisposition; Hereditary Cancer Syndrome. Identifiers: Orphanet 140162, MedGen C0027672, MeSH D009386, MONDO:0015356.
Neuroblastoma, susceptibility to, 3. Also called: ALK-Related Neuroblastic Tumor Susceptibility. Identifiers: Orphanet 635, MedGen C2751681, MONDO:0013083, OMIM 613014.

Allele frequency attached by ClinVar (database versions not stated): gnomAD exomes below 0.00001 and 0.00001; gnomAD 0.00001 and 0.00002; TOPMed 0.00001; ExAC 0.00002; 1000 Genomes Project 0.00020; 1000 Genomes Project 30x 0.00031.
gnomAD v4.1: 4 of 1,613,848 alleles (0.00025%); highest among the groups gnomAD compares: African/African-American, 0.004%; no homozygotes.

Submissions (2):

Labcorp Genetics (formerly Invitae), Labcorp
Classification: Uncertain significance for Neuroblastoma, susceptibility to, 3. Last evaluated: 2026-01-13. Review status: criteria provided, single submitter. Criteria: Invitae Variant Classification Sherloc (09022015). Collection method: clinical testing. Allele origin: germline.
Comment: This sequence change replaces glutamic acid, which is acidic and polar, with lysine, which is basic and polar, at codon 314 of the ALK protein (p.Glu314Lys). This variant is present in population databases (rs538448899, gnomAD 0.007%). This variant has not been reported in the literature in individuals affected with ALK-related conditions. ClinVar contains an entry for this variant (Variation ID: 470907). An algorithm developed to predict the effect of missense changes on protein structure and function (PolyPhen-2) suggests that this variant is likely to be tolerated. In summary, the available evidence is currently insufficient to determine the role of this variant in disease. Therefore, it has been classified as a Variant of Uncertain Significance.

Ambry Genetics
Classification: Uncertain significance for Hereditary cancer-predisposing syndrome. Last evaluated: 2024-04-24. Review status: criteria provided, single submitter. Criteria: Ambry Variant Classification Scheme 2023. Collection method: clinical testing. Allele origin: germline.
Comment: The p.E314K variant (also known as c.940G>A), located in coding exon 3 of the ALK gene, results from a G to A substitution at nucleotide position 940. The glutamic acid at codon 314 is replaced by lysine, an amino acid with similar properties. This amino acid position is conserved. In addition, this alteration is predicted to be tolerated by in silico analysis. Since supporting evidence is limited at this time, the clinical significance of this alteration remains unclear.